The following is an entry in ClinVar:

ClinVar aggregate classification (germline): Uncertain significance. Review status: criteria provided, multiple submitters, no conflicts (2 of 4 stars). 2 submissions from 2 submitters: Uncertain significance (2). Last evaluated 2025-08-03.

Conditions:
Marfan syndrome (MFS). Also called: MARFAN SYNDROME, TYPE I; Marfan syndrome type 1; Marfan's syndrome; Marfan syndrome, classic; FBN1-Related Marfan Syndrome. Identifiers: Orphanet 284963, Orphanet 558, MedGen C0024796, MONDO:0007947, OMIM 154700.
Familial thoracic aortic aneurysm and aortic dissection (TAAD). Also called: Thoracic aortic aneurysms and dissections. Identifiers: Orphanet 91387, MedGen C4707243, MONDO:0019625.

gnomAD v4.1: 1 of 1,612,996 alleles (0.000062%); highest among the groups gnomAD compares: Non-Finnish European, 0.000085%; no homozygotes.

Submissions (2):

Labcorp Genetics (formerly Invitae), Labcorp
Classification: Uncertain significance for Marfan syndrome; Familial thoracic aortic aneurysm and aortic dissection. Last evaluated: 2025-08-03. Review status: criteria provided, single submitter. Criteria: Invitae Variant Classification Sherloc (09022015). Collection method: clinical testing. Allele origin: germline.
Comment: This sequence change replaces arginine, which is basic and polar, with leucine, which is neutral and non-polar, at codon 2108 of the FBN1 protein (p.Arg2108Leu). This variant is present in population databases (rs762659907, gnomAD 0.0009%). This variant has not been reported in the literature in individuals affected with FBN1-related conditions. ClinVar contains an entry for this variant (Variation ID: 3781115). Invitae Evidence Modeling of protein sequence and biophysical properties (such as structural, functional, and spatial information, amino acid conservation, physicochemical variation, residue mobility, and thermodynamic stability) has been performed for this missense variant. However, the output from this modeling did not meet the statistical confidence thresholds required to predict the impact of this variant on FBN1 protein function. In summary, the available evidence is currently insufficient to determine the role of this variant in disease. Therefore, it has been classified as a Variant of Uncertain Significance.

GeneDx
Classification: Uncertain significance. Last evaluated: 2024-10-14. Review status: criteria provided, single submitter. Criteria: GeneDx Variant Classification Process June 2021. Collection method: clinical testing. Allele origin: germline. Affected: yes.
Comment: Not observed at significant frequency in large population cohorts (gnomAD); In silico analysis supports that this missense variant has a deleterious effect on protein structure/function; Does not affect a cysteine or calcium-binding residue within an EGF-like domain or a TGF-binding protein domain of the FBN1 gene; cysteine substitutions in the EGF-like domains represent the majority of pathogenic missense changes associated with FBN1-related disorders (PMID: 12938084); Has not been previously published as pathogenic or benign to our knowledge; This variant is associated with the following publications: (PMID: 12938084)

NM_000138.5(FBN1):c.6323G>T (p.Arg2108Leu)

Gene: FBN1 (fibrillin 1; minus strand). Cytogenetic location: 15q21.1.
Variant type: single nucleotide variant.
Coding change: c.6323G>T on transcript NM_000138.5 (MANE Select); coding-DNA position 6323, G replaced by T.
Protein change: p.Arg2108Leu; replaces arginine 2108 with leucine.
Molecular consequence: missense variant.
Genome position (GRCh38, 1-based): chr15:48,437,378, C>A on the plus strand (G>T on the coding strand, the complement: FBN1 is on the minus strand). VCF-style: chr15-48437378-C-A. GRCh37 (hg19) VCF-style: chr15-48729575-C-A.
Other names: c.6323G>T, p.Arg2108Leu (NM_001406716.1); short protein forms R2108L.
Identifiers: ClinVar variation 3781115 (VCV003781115.2).